The following is an entry in ClinVar:

ClinVar aggregate classification (germline): Uncertain significance (1 of 4 stars; one submission).

Allele frequency attached by ClinVar (database versions not stated): gnomAD exomes 0.00031; gnomAD 0.00034 and 0.00035; ExAC 0.00036; TOPMed 0.00036; 1000 Genomes Project 0.00040; 1000 Genomes Project 30x 0.00047; ESP Exome Variant Server 0.00087.
gnomAD v4.1: 1,070 of 1,612,454 alleles (0.066%); highest among the groups gnomAD compares: Non-Finnish European, 0.086%; 1 homozygote.

Submission:

Labcorp Genetics (formerly Invitae), Labcorp
Classification: Uncertain significance. Last evaluated: 2025-12-29. Review status: criteria provided, single submitter. Criteria: Invitae Variant Classification Sherloc (09022015). Collection method: clinical testing. Allele origin: germline.
Comment: This sequence change replaces glutamic acid, which is acidic and polar, with lysine, which is basic and polar, at codon 856 of the PLEKHM2 protein (p.Glu856Lys). This variant is present in population databases (rs145743094, gnomAD 0.06%). This variant has not been reported in the literature in individuals affected with PLEKHM2-related conditions. ClinVar contains an entry for this variant (Variation ID: 478089). An algorithm developed to predict the effect of missense changes on protein structure and function (PolyPhen-2) suggests that this variant is likely to be tolerated. In summary, the available evidence is currently insufficient to determine the role of this variant in disease. Therefore, it has been classified as a Variant of Uncertain Significance.

NM_015164.4(PLEKHM2):c.2566G>A (p.Glu856Lys)

Gene: PLEKHM2 (pleckstrin homology and RUN domain containing M2; plus strand). Cytogenetic location: 1p36.21.
Variant type: single nucleotide variant.
Coding change: c.2566G>A on transcript NM_015164.4 (MANE Select); coding-DNA position 2566, G replaced by A.
Protein change: p.Glu856Lys; replaces glutamic acid 856 with lysine.
Molecular consequence: missense variant.
Genome position (GRCh38, 1-based): chr1:15,731,989, G>A. VCF-style: chr1-15731989-G-A. GRCh37 (hg19) VCF-style: chr1-16058484-G-A.
Other names: short protein forms E856K.
Identifiers: ClinVar variation 478089 (VCV000478089.10), dbSNP rs145743094, ClinGen allele CA617296.